The following is an entry in ClinVar:

ClinVar aggregate classification (germline): Uncertain significance (1 of 4 stars; one submission).

Submission:

CeGaT Center for Human Genetics Tuebingen
Classification: Uncertain significance. Last evaluated: 2022-08-01. Review status: criteria provided, single submitter. Criteria: CeGaT Center For Human Genetics Tuebingen Variant Classification Criteria Version 2. Collection method: clinical testing. Allele origin: germline. Affected: yes. Observed: 1 variant allele.
Comment: ROM1: PM2

NM_000327.4(ROM1):c.16C>T (p.Pro6Ser)

Gene: ROM1 (retinal outer segment membrane protein 1; plus strand). Cytogenetic location: 11q12.3.
Variant type: single nucleotide variant.
Coding change: c.16C>T on transcript NM_000327.4 (MANE Select); coding-DNA position 16, C replaced by T.
Protein change: p.Pro6Ser; replaces proline 6 with serine.
Molecular consequence: missense variant.
Genome position (GRCh38, 1-based): chr11:62,613,297, C>T. VCF-style: chr11-62613297-C-T. GRCh37 (hg19) VCF-style: chr11-62380769-C-T.
Other names: short protein forms P6S.
Identifiers: ClinVar variation 1711318 (VCV001711318.30), dbSNP rs2496219478, ClinGen allele CA380967911.